The following is an entry in ClinVar:

ClinVar aggregate classification (germline): Benign/Likely benign. Review status: criteria provided, multiple submitters, no conflicts (2 of 4 stars). 4 submissions from 4 submitters: Benign (2); Likely benign (2). Last evaluated 2026-02-01.

Conditions:
Ulnar-mammary syndrome (UMS). Also called: SCHINZEL SYNDROME; Ulnar-mammary syndrome of Pallister; PALLISTER ULNAR-MAMMARY SYNDROME. Identifiers: Orphanet 3138, MedGen C1866994, MONDO:0008411, OMIM 181450.

Allele frequency attached by ClinVar (database versions not stated): 1000 Genomes Project 0.00519; 1000 Genomes Project 30x 0.00531; TOPMed 0.01142; gnomAD exomes 0.01163 and 0.01711; ExAC 0.01171; gnomAD 0.01188 and 0.01205; ESP Exome Variant Server 0.01461.

Submissions (4):

Labcorp Genetics (formerly Invitae), Labcorp
Classification: Benign for Ulnar-mammary syndrome. Last evaluated: 2026-02-01. Review status: criteria provided, single submitter. Criteria: Invitae Variant Classification Sherloc (09022015). Collection method: clinical testing. Allele origin: germline.

GeneDx
Classification: Likely benign. Last evaluated: 2021-02-06. Review status: criteria provided, single submitter. Criteria: GeneDx Variant Classification Process June 2021. Collection method: clinical testing. Allele origin: germline. Affected: yes.

Illumina Laboratory Services, Illumina
Classification: Benign for Ulnar-mammary syndrome. Last evaluated: 2018-01-13. Review status: criteria provided, single submitter. Criteria: ICSL Variant Classification Criteria 13 December 2019. Collection method: clinical testing. Allele origin: germline.
Comment: This variant was observed in the ICSL laboratory as part of a predisposition screen in an ostensibly healthy population. It had not been previously curated by ICSL or reported in the Human Gene Mutation Database (HGMD: prior to June 1st, 2018), and was therefore a candidate for classification through an automated scoring system. Utilizing variant allele frequency, disease prevalence and penetrance estimates, and inheritance mode, an automated score was calculated to assess if this variant is too frequent to cause the disease. Based on the score and internal cut-off values, a variant classified as benign is not then subjected to further curation. The score for this variant resulted in a classification of benign for this disease.

Breakthrough Genomics
Classification: Likely benign. Review status: criteria provided, single submitter. Criteria: ACMG Guidelines, 2015. Collection method: not provided. Allele origin: germline. Inheritance: Autosomal dominant inheritance. Affected: yes.

NM_005996.4(TBX3):c.777C>T (p.Ile259=)

Gene: TBX3 (T-box transcription factor 3; minus strand). Cytogenetic location: 12q24.21.
Variant type: single nucleotide variant.
Coding change: c.777C>T on transcript NM_005996.4 (MANE Select); coding-DNA position 777, C replaced by T.
Protein change: p.Ile259=; no amino-acid change (isoleucine 259 retained).
Molecular consequence: synonymous variant.
Genome position (GRCh38, 1-based): chr12:114,679,532, G>A on the plus strand (C>T on the coding strand, the complement: TBX3 is on the minus strand). VCF-style: chr12-114679532-G-A. GRCh37 (hg19) VCF-style: chr12-115117337-G-A.
Other names: c.837C>T, p.Ile279= (NM_016569.4).
Identifiers: ClinVar variation 307372 (VCV000307372.17), dbSNP rs34627348, ClinGen allele CA6810097.
Genomic context (GRCh38, chr12:114,679,532, plus strand): 5'-TCACCATTAAAAAGGAAAGCCCCTTGAGTTTACCTTATCATTCTGGTATGCAGTCACAGC[G>A]ATGAATTCAGTTTCGGGGAACAAGTATGTCCGAAATGTACTATAAGGGAGTTTCAAGATG-3'
Protein context (NP_005987.3, residues 249-269): RTYLFPETEF[Ile259=]AVTAYQNDKI